The following is an entry in ClinVar:

ClinVar aggregate classification (germline): Pathogenic. Review status: criteria provided, multiple submitters, no conflicts (2 of 4 stars). 2 submissions from 2 submitters: Pathogenic (2). Last evaluated 2023-12-08.

Conditions:
Charcot-Marie-Tooth disease type 4B1. Also called: CHARCOT-MARIE-TOOTH DISEASE, DEMYELINATING, TYPE 4B1; CHARCOT-MARIE-TOOTH DISEASE, AUTOSOMAL RECESSIVE, WITH FOCALLY FOLDED MYELIN SHEATHS, AUTOSOMAL RECESSIVE, TYPE 4B1; CHARCOT-MARIE-TOOTH DISEASE, TYPE 4B; Charcot-Marie-Tooth Neuropathy Type 4B1. Identifiers: Orphanet 99955, MedGen C1832399, MONDO:0011066, OMIM 601382.
Charcot-Marie-Tooth disease type 4. Also called: Charcot-Marie-Tooth disease, type IV; Charcot-Marie-Tooth, Type 4. Identifiers: Orphanet 64749, MedGen C4082197, MONDO:0018995.

Allele frequency attached by ClinVar (database versions not stated): gnomAD exomes below 0.00001.
gnomAD v4.1: 5 of 1,608,042 alleles (0.00031%); highest among the groups gnomAD compares: Non-Finnish European, 0.00043%; no homozygotes.

Submissions (2):

3billion
Classification: Pathogenic for Charcot-Marie-Tooth disease type 4B1. Last evaluated: 2023-12-08. Review status: criteria provided, single submitter. Criteria: ACMG Guidelines, 2015. Collection method: clinical testing. Allele origin: germline. Affected: yes.
Comment: The variant is not observed in the gnomAD v2.1.1 dataset. Predicted Consequence/Location: Stop-gained (nonsense): predicted to result in a loss or disruption of normal protein function through nonsense-mediated decay (NMD) or protein truncation. Multiple pathogenic variants are reported downstream of the variant. The variant has been reported to be associated with MTMR2 related disorder (ClinVar ID: VCV002190463 /PMID: 28190646). However, the evidence of pathogenicity is insufficient at this time. Therefore, this variant is classified as Pathogenic according to the recommendation of ACMG/AMP guideline.

Labcorp Genetics (formerly Invitae), Labcorp
Classification: Pathogenic for Charcot-Marie-Tooth disease type 4. Last evaluated: 2022-09-07. Review status: criteria provided, single submitter. Criteria: Invitae Variant Classification Sherloc (09022015). Collection method: clinical testing. Allele origin: germline.
Comment: For these reasons, this variant has been classified as Pathogenic. Algorithms developed to predict the effect of sequence changes on RNA splicing suggest that this variant may disrupt the consensus splice site. This premature translational stop signal has been observed in individual(s) with MTMR2-related conditions (PMID: 8190646). This variant is not present in population databases (gnomAD no frequency). This sequence change creates a premature translational stop signal (p.Arg162*) in the MTMR2 gene. It is expected to result in an absent or disrupted protein product. Loss-of-function variants in MTMR2 are known to be pathogenic (PMID: 10802647).

Literature cited by the submitters: PubMed 28190646 (cited by 3billion); PubMed 8190646 (cited by Labcorp Genetics (formerly Invitae), Labcorp); PubMed 10802647 (cited by Labcorp Genetics (formerly Invitae), Labcorp).

NM_016156.6(MTMR2):c.484C>T (p.Arg162Ter)

Gene: MTMR2 (myotubularin related protein 2; minus strand). Cytogenetic location: 11q21.
Variant type: single nucleotide variant.
Coding change: c.484C>T on transcript NM_016156.6 (MANE Select); coding-DNA position 484, C replaced by T.
Protein change: p.Arg162Ter; replaces arginine 162 with a stop codon.
Molecular consequence: nonsense.
Genome position (GRCh38, 1-based): chr11:95,858,617, G>A on the plus strand (C>T on the coding strand, the complement: MTMR2 is on the minus strand). VCF-style: chr11-95858617-G-A. GRCh37 (hg19) VCF-style: chr11-95591781-G-A.
Other names: c.268C>T, p.Arg90Ter (NM_001243571.2, NM_201278.3, NM_201281.3); short protein forms R162*, R90*.
Identifiers: ClinVar variation 2190463 (VCV002190463.5), dbSNP rs2496570033, ClinGen allele CA382428663.